The following is an entry in ClinVar:

ClinVar aggregate classification (germline): Uncertain significance (1 of 4 stars; one submission).

Submission:

GeneDx
Classification: Uncertain significance. Last evaluated: 2024-12-20. Review status: criteria provided, single submitter. Criteria: GeneDx Variant Classification Process June 2021. Collection method: clinical testing. Allele origin: germline. Affected: yes.
Comment: In silico analysis supports that this missense variant has a deleterious effect on protein structure/function; Has not been previously published as pathogenic or benign to our knowledge

NM_002074.5(GNB1):c.170A>T (p.Lys57Met)

Gene: GNB1 (G protein subunit beta 1; minus strand). Cytogenetic location: 1p36.33.
Variant type: single nucleotide variant.
Coding change: c.170A>T on transcript NM_002074.5 (MANE Select); coding-DNA position 170, A replaced by T.
Protein change: p.Lys57Met; replaces lysine 57 with methionine.
Molecular consequence: missense variant. On other transcripts: intron variant (1).
Genome position (GRCh38, 1-based): chr1:1,815,789, T>A on the plus strand (A>T on the coding strand, the complement: GNB1 is on the minus strand). VCF-style: chr1-1815789-T-A. GRCh37 (hg19) VCF-style: chr1-1747228-T-A.
Other names: c.170A>T, p.Lys57Met (NM_001282539.2); c.-97-9251A>T (NM_001282538.2); short protein forms K57M.
Identifiers: ClinVar variation 3907830 (VCV003907830.1).